The following is an entry in ClinVar:

ClinVar aggregate classification (germline): Likely benign (1 of 4 stars; one submission).

Allele frequency attached by ClinVar (database versions not stated): gnomAD 0.00451 and 0.00478; TOPMed 0.00524; 1000 Genomes Project 0.00579; 1000 Genomes Project 30x 0.00609.
gnomAD v4.1: 677 of 152,106 alleles (0.45%); highest among the groups gnomAD compares: African/African-American, 1.6%; 3 homozygotes.

Submission:

GeneDx
Classification: Likely benign. Last evaluated: 2018-06-14. Review status: criteria provided, single submitter. Criteria: GeneDx Variant Classification (06012015). Collection method: clinical testing. Allele origin: germline. Affected: yes.
Comment: This variant is considered likely benign or benign based on one or more of the following criteria: it is a conservative change, it occurs at a poorly conserved position in the protein, it is predicted to be benign by multiple in silico algorithms, and/or has population frequency not consistent with disease.

NM_001040142.2(SCN2A):c.3973-268G>A

Gene: SCN2A (sodium voltage-gated channel alpha subunit 2; plus strand). Cytogenetic location: 2q24.3.
Variant type: single nucleotide variant.
Coding change: c.3973-268G>A on transcript NM_001040142.2 (MANE Select); 268 bases into the intron before coding-DNA position 3973, G replaced by A.
Molecular consequence: intron variant.
Genome position (GRCh38, 1-based): chr2:165,374,417, G>A. VCF-style: chr2-165374417-G-A. GRCh37 (hg19) VCF-style: chr2-166230927-G-A.
Other names: c.3973-268G>A (NM_001040143.2, NM_001371246.1, NM_001371247.1 and 1 more transcripts).
Identifiers: ClinVar variation 672647 (VCV000672647.1), dbSNP rs147704287, ClinGen allele CA59741721.